The following is an entry in ClinVar:

NM_018139.3(DNAAF2):c.1723G>A (p.Ala575Thr)

Gene: DNAAF2 (dynein axonemal assembly factor 2; minus strand). Cytogenetic location: 14q21.3.
Variant type: single nucleotide variant.
Coding change: c.1723G>A on transcript NM_018139.3 (MANE Select); coding-DNA position 1723, G replaced by A.
Protein change: p.Ala575Thr; replaces alanine 575 with threonine.
Molecular consequence: missense variant. On other transcripts: intron variant (1).
Genome position (GRCh38, 1-based): chr14:49,633,427, C>T on the plus strand (G>A on the coding strand, the complement: DNAAF2 is on the minus strand). VCF-style: chr14-49633427-C-T. GRCh37 (hg19) VCF-style: chr14-50100145-C-T.
Other names: c.1723G>A, p.Ala575Thr (NM_001083908.2); c.-205+56G>A (NM_001378453.1); short protein forms A575T.
Identifiers: ClinVar variation 4804510 (VCV004804510.1).
Genomic context (GRCh38, chr14:49,633,427, plus strand): 5'-CTGCATTGTTTGAAGAAATGCTAATCACAGGTTCTGTGGTACTCAATTTATTCTCTGGAG[C>T]AAATTGCAAAAAGAAGGAATAAACTAAGTCTTGTGCGGAGAAGCGTAATTTGTACCAGAG-3'
Protein context (NP_060609.2, residues 565-585): DLVYSFFLQF[Ala575Thr]PENKLSTTEP

ClinVar aggregate classification (germline): Uncertain significance (1 of 4 stars; one submission).

Conditions:
Primary ciliary dyskinesia. Also called: Ciliary dyskinesia. Identifiers: Orphanet 244, MedGen C0008780, MONDO:0016575, HP:0012265.

Submission:

Labcorp Genetics (formerly Invitae), Labcorp
Classification: Uncertain significance for Primary ciliary dyskinesia. Last evaluated: 2025-11-18. Review status: criteria provided, single submitter. Criteria: Invitae Variant Classification Sherloc (09022015). Collection method: clinical testing. Allele origin: germline.
Comment: This sequence change replaces alanine, which is neutral and non-polar, with threonine, which is neutral and polar, at codon 575 of the DNAAF2 protein (p.Ala575Thr). This variant is not present in population databases (gnomAD no frequency). This variant has not been reported in the literature in individuals affected with DNAAF2-related conditions. An algorithm developed to predict the effect of missense changes on protein structure and function outputs the following: PolyPhen-2: "Benign". The threonine amino acid residue is found in multiple mammalian species, which suggests that this missense change does not adversely affect protein function. In summary, the available evidence is currently insufficient to determine the role of this variant in disease. Therefore, it has been classified as a Variant of Uncertain Significance.